The following is an entry in ClinVar:

NM_000143.4(FH):c.373G>A (p.Asp125Asn)

Gene: FH (fumarate hydratase; minus strand). Cytogenetic location: 1q43.
Variant type: single nucleotide variant.
Coding change: c.373G>A on transcript NM_000143.4 (MANE Select); coding-DNA position 373, G replaced by A.
Protein change: p.Asp125Asn; replaces aspartic acid 125 with asparagine.
Molecular consequence: missense variant.
Genome position (GRCh38, 1-based): chr1:241,513,608, C>T on the plus strand (G>A on the coding strand, the complement: FH is on the minus strand). VCF-style: chr1-241513608-C-T. GRCh37 (hg19) VCF-style: chr1-241676908-C-T.
Other names: short protein forms D125N.
Identifiers: ClinVar variation 3515104 (VCV003515104.1).

ClinVar aggregate classification (germline): Uncertain significance (1 of 4 stars; one submission).

Conditions:
Hereditary cancer-predisposing syndrome. Also called: Tumor predisposition; Neoplastic Syndromes, Hereditary; Hereditary Cancer Syndrome; Hereditary neoplastic syndrome. Identifiers: Orphanet 140162, MedGen C0027672, MeSH D009386, MONDO:0015356.

Submission:

Ambry Genetics
Classification: Uncertain significance for Hereditary cancer-predisposing syndrome. Last evaluated: 2024-09-21. Review status: criteria provided, single submitter. Criteria: Ambry Variant Classification Scheme 2023. Collection method: clinical testing. Allele origin: germline.
Comment: The p.D125N variant (also known as c.373G>A), located in coding exon 3 of the FH gene, results from a G to A substitution at nucleotide position 373. The aspartic acid at codon 125 is replaced by asparagine, an amino acid with highly similar properties. This amino acid position is conserved. In addition, the in silico prediction for this alteration is inconclusive. Based on the available evidence, the clinical significance of this variant remains unclear.